The following is an entry in ClinVar:

ClinVar aggregate classification (germline): Pathogenic (1 of 4 stars; one submission).

Conditions:
Autosomal dominant hypocalcemia 1 (HYPOC1). Also called: HYPOCALCEMIA, FAMILIAL. Identifiers: MedGen C3715128, MONDO:0011013, OMIM 601198.
Familial hypocalciuric hypercalcemia (FHH). Also called: Familial benign hypercalcemia. Identifiers: Orphanet 405, MedGen C1809471, MONDO:0018458.

Submission:

Labcorp Genetics (formerly Invitae), Labcorp
Classification: Pathogenic for Familial hypocalciuric hypercalcemia; Autosomal dominant hypocalcemia 1. Last evaluated: 2023-03-13. Review status: criteria provided, single submitter. Criteria: Invitae Variant Classification Sherloc (09022015). Collection method: clinical testing. Allele origin: germline.
Comment: For these reasons, this variant has been classified as Pathogenic. This variant has not been reported in the literature in individuals affected with CASR-related conditions. This variant is not present in population databases (gnomAD no frequency). This sequence change creates a premature translational stop signal (p.Trp208Glyfs*49) in the CASR gene. It is expected to result in an absent or disrupted protein product. Loss-of-function variants in CASR are known to be pathogenic (PMID: 11807402, 14985373, 22422767).

Literature cited by the submitters: PubMed 11807402; PubMed 14985373; PubMed 22422767.

NM_000388.4(CASR):c.621del (p.Trp208fs)

Gene: CASR (calcium sensing receptor; plus strand). Cytogenetic location: 3q21.1.
Variant type: Deletion.
Coding change: c.621del on transcript NM_000388.4 (MANE Select); coding-DNA position 621, one base deleted (C; older notation c.621delC).
Protein change: p.Trp208fs; shifts the reading frame from tryptophan 208.
Molecular consequence: frameshift variant.
Genome position (GRCh38, 1-based): chr3:122,261,656, C deleted. VCF-style (leftmost placement, unchanged base first): chr3-122261655-AC-A. GRCh37 (hg19) VCF-style: chr3-121980502-AC-A.
Other names: c.621del, p.Trp208fs (NM_001178065.2); short protein forms W208fs.
Identifiers: ClinVar variation 2945245 (VCV002945245.3), dbSNP rs2473225653, ClinGen allele CA2740094558.